The following is an entry in ClinVar:

NM_020975.6(RET):c.2003C>T (p.Pro668Leu)

Gene: RET (ret proto-oncogene; plus strand). Cytogenetic location: 10q11.21.
Variant type: single nucleotide variant.
Coding change: c.2003C>T on transcript NM_020975.6 (MANE Select); coding-DNA position 2003, C replaced by T.
Protein change: p.Pro668Leu; replaces proline 668 with leucine.
Molecular consequence: missense variant.
Genome position (GRCh38, 1-based): chr10:43,114,603, C>T. VCF-style: chr10-43114603-C-T. GRCh37 (hg19) VCF-style: chr10-43610051-C-T.
Other names: c.2003C>T, p.Pro668Leu (NM_000323.2, NM_001406743.1, NM_001406744.1 and 4 more transcripts); c.1241C>T, p.Pro414Leu (NM_001355216.2); c.1874C>T, p.Pro625Leu (NM_001406761.1, NM_001406762.1, NM_001406764.1); c.1715C>T, p.Pro572Leu (NM_001406766.1, NM_001406767.1, NM_001406770.1); c.1106C>T, p.Pro369Leu (NM_001406779.1, NM_001406780.1, NM_001406781.1 and 1 more transcripts); c.977C>T, p.Pro326Leu (NM_001406783.1, NM_001406786.1); c.1013C>T, p.Pro338Leu (NM_001406784.1); c.986C>T, p.Pro329Leu (NM_001406785.1); and 7 more; short protein forms P414L, P668L, P185L, P273L, P369L, P493L, P326L, P338L.
Identifiers: ClinVar variation 820522 (VCV000820522.17), dbSNP rs1482522995, ClinGen allele CA376553116.

ClinVar aggregate classification (germline): Uncertain significance. Review status: criteria provided, multiple submitters, no conflicts (2 of 4 stars). 7 submissions from 7 submitters: Uncertain significance (7). Last evaluated 2026-01-31.

Conditions:
Hereditary cancer-predisposing syndrome. Also called: Neoplastic Syndromes, Hereditary; Hereditary Cancer Syndrome; Tumor predisposition; Hereditary neoplastic syndrome. Identifiers: Orphanet 140162, MedGen C0027672, MeSH D009386, MONDO:0015356.
Multiple endocrine neoplasia, type 2 (MEN2). Identifiers: Orphanet 653, MedGen C4048306, MONDO:0019003. Disease mechanism: gain of function.
Hirschsprung disease, susceptibility to, 1 (HSCR1). Also called: RET-Related Hirschsprung Disease. Identifiers: Orphanet 388, MedGen C3888239, MONDO:0007723, OMIM 142623.
RET-related disorder. Also called: RET-related disorders; RET-related condition; RET-related disease.

Allele frequency attached by ClinVar (database versions not stated): gnomAD exomes below 0.00001.
gnomAD v4.1: 6 of 1,613,180 alleles (0.00037%); highest among the groups gnomAD compares: Admixed American, 0.0017%; no homozygotes.

Submissions (7):

Labcorp Genetics (formerly Invitae), Labcorp
Classification: Uncertain significance for Multiple endocrine neoplasia, type 2. Last evaluated: 2026-01-31. Review status: criteria provided, single submitter. Criteria: Invitae Variant Classification Sherloc (09022015). Collection method: clinical testing. Allele origin: germline.
Comment: This sequence change replaces proline, which is neutral and non-polar, with leucine, which is neutral and non-polar, at codon 668 of the RET protein (p.Pro668Leu). This variant is present in population databases (no rsID available, gnomAD 0.003%). This variant has not been reported in the literature in individuals affected with RET-related conditions. ClinVar contains an entry for this variant (Variation ID: 820522). An algorithm developed to predict the effect of missense changes on protein structure and function (PolyPhen-2) suggests that this variant is likely to be tolerated. In summary, the available evidence is currently insufficient to determine the role of this variant in disease. Therefore, it has been classified as a Variant of Uncertain Significance.

Color Diagnostics, LLC DBA Color Health
Classification: Uncertain significance for Multiple endocrine neoplasia, type 2. Last evaluated: 2025-11-18. Review status: criteria provided, single submitter. Criteria: ACMG Guidelines, 2015. Collection method: clinical testing. Allele origin: germline.
Comment: This missense variant replaces proline with leucine at codon 668 of the RET protein. Computational predictions are inconclusive regarding the impact of this variant on protein structure and function. To our knowledge, functional studies have not been reported for this variant. This variant has not been reported in individuals affected with RET-related disorders in the literature. This variant has been identified in 6/1613180 chromosomes in the general population by the Genome Aggregation Database (gnomAD). The available evidence is insufficient to determine the role of this variant in disease conclusively. Therefore, this variant is classified as a Variant of Uncertain Significance.

PreventionGenetics, part of Exact Sciences
Classification: Uncertain significance for RET-related condition. Last evaluated: 2025-10-20. Review status: criteria provided, single submitter. Criteria: ACMG Guidelines, 2015. Collection method: clinical testing. Allele origin: germline.
Comment: The RET c.2003C>T variant is predicted to result in the amino acid substitution p.Pro668Leu. To our knowledge, this variant has not been reported in the literature. This variant is reported in 0.0033% of alleles in individuals of South Asian descent in gnomAD and is classified as uncertain in ClinVar (Variation ID: 820522). At this time, the clinical significance of this variant is uncertain due to the absence of conclusive functional and genetic evidence.

GeneDx
Classification: Uncertain significance. Last evaluated: 2025-06-12. Review status: criteria provided, single submitter. Criteria: GeneDx Variant Classification Process June 2021. Collection method: clinical testing. Allele origin: germline. Affected: yes.
Comment: Not observed at significant frequency in large population cohorts (gnomAD); In silico analysis supports that this missense variant has a deleterious effect on protein structure/function; Has not been previously published as pathogenic or benign to our knowledge; This variant is associated with the following publications: (PMID: 14633923)

Ambry Genetics
Classification: Uncertain significance for Hereditary cancer-predisposing syndrome. Last evaluated: 2024-09-13. Review status: criteria provided, single submitter. Criteria: Ambry Variant Classification Scheme 2023. Collection method: clinical testing. Allele origin: germline.
Comment: The p.P668L variant (also known as c.2003C>T), located in coding exon 11 of the RET gene, results from a C to T substitution at nucleotide position 2003. The proline at codon 668 is replaced by leucine, an amino acid with similar properties. This amino acid position is well conserved in available vertebrate species. In addition, the in silico prediction for this alteration is inconclusive. Based on the available evidence, the clinical significance of this variant remains unclear.

Baylor Genetics
Classification: Uncertain significance for Hirschsprung disease, susceptibility to, 1. Last evaluated: 2023-10-27. Review status: criteria provided, single submitter. Criteria: ACMG Guidelines, 2015. Collection method: clinical testing. Allele origin: unknown.

All of Us Research Program, National Institutes of Health
Classification: Uncertain significance for Multiple endocrine neoplasia, type 2. Last evaluated: 2023-10-06. Review status: criteria provided, single submitter. Criteria: ACMG Guidelines, 2015. Collection method: clinical testing. Allele origin: germline. Inheritance: Autosomal dominant inheritance. Observed: 1 variant allele, 1 heterozygote.
Comment: This missense variant replaces proline with leucine at codon 668 of the RET protein. Computational prediction suggests that this variant may not impact protein structure and function (internally defined REVEL score threshold <= 0.5, PMID: 27666373). To our knowledge, functional studies have not been reported for this variant. This variant has not been reported in individuals affected with hereditary cancer in the literature. This variant has been identified in 1/250902 chromosomes in the general population by the Genome Aggregation Database (gnomAD). The available evidence is insufficient to determine the role of this variant in disease conclusively. Therefore, this variant is classified as a Variant of Uncertain Significance.

This study involves interpretation of variants in research participants for the purpose of population health screening. Participant phenotype was not available at the time of variant classification. Additional details can be found in publication PMID: 35346344, PMCID: PMC8962531